The following is an entry in ClinVar:

ClinVar aggregate classification (germline): Pathogenic (1 of 4 stars; one submission).

Conditions:
Duchenne muscular dystrophy (DMD). Also called: MUSCULAR DYSTROPHY, PSEUDOHYPERTROPHIC PROGRESSIVE, DUCHENNE TYPE; Duchenne Muscular Dystrophy (DMD). Identifiers: Orphanet 98896, MedGen C0013264, MONDO:0010679, OMIM 310200.

Submission:

Labcorp Genetics (formerly Invitae), Labcorp
Classification: Pathogenic for Duchenne muscular dystrophy. Last evaluated: 2023-08-16. Review status: criteria provided, single submitter. Criteria: Invitae Variant Classification Sherloc (09022015). Collection method: clinical testing. Allele origin: unknown.
Comment: A similar copy number variant has been observed in individuals with Becker muscular dystrophy and/or Duchenne muscular dystrophy (PMID: 22776072, 25937795, 31705731). This variant is a gross deletion of the genomic region encompassing exon(s) 3-18 of the DMD gene. This variant would be expected to be in-frame, preserving the integrity of the reading frame. This variant disrupts a region of the DMD protein in which other variant(s) (Deletion (Exon 13)) have been determined to be pathogenic (PMID: 18353051, 22379338, 28116794, 28610567). This suggests that this is a clinically significant region of the protein, and that variants that disrupt it are likely to be disease-causing. For these reasons, this variant has been classified as Pathogenic.

Literature cited by the submitters: PubMed 22776072; PubMed 25937795; PubMed 31705731; PubMed 18353051; PubMed 22379338; PubMed 28116794; PubMed 28610567.

NC_000023.10:g.(?_32536105)_(32867957_?)del

Gene: DMD (dystrophin; minus strand). Cytogenetic location: Xp21.1.
Variant type: Deletion.
Identifiers: ClinVar variation 3247668 (VCV003247668.1).